The following is an entry in ClinVar:

ClinVar aggregate classification (germline): Pathogenic (1 of 4 stars; one submission).

Conditions:
Wilms tumor 1 (WT1). Also called: Wilms tumor, somatic. Identifiers: Orphanet 654, MedGen CN033288, MONDO:0008679, OMIM 194070.

Submission:

Labcorp Genetics (formerly Invitae), Labcorp
Classification: Pathogenic for Wilms tumor 1. Last evaluated: 2016-02-03. Review status: criteria provided, single submitter. Criteria: Invitae Variant Classification Sherloc (09022015). Collection method: clinical testing. Allele origin: germline.
Comment: A gross deletion of the genomic region encompassing the full coding sequence of the GPC3 gene has been identified. The boundaries of this event are unknown as the deletion extends beyond the assayed region for this gene and therefore may encompass additional genes. While a whole gene deletion of GPC3 has not been reported in the literature, other gross deletions in GPC3 are known to be pathogenic (PMID: 9192268, 12713262). For these reasons, this variant has been classified as Pathogenic.

Literature cited by the submitters: PubMed 9192268; PubMed 12713262.

NC_000023.10:g.(?_132670146)_(132670327_?)del

Gene: GPC3 (glypican 3; minus strand). Cytogenetic location: Xq26.2.
Variant type: Deletion.
Identifiers: ClinVar variation 1069347 (VCV001069347.1).